The following is an entry in ClinVar:

NM_182894.3(VSX2):c.316C>T (p.Gln106Ter)

Gene: VSX2 (visual system homeobox 2; plus strand). Cytogenetic location: 14q24.3.
Variant type: single nucleotide variant.
Coding change: c.316C>T on transcript NM_182894.3 (MANE Select); coding-DNA position 316, C replaced by T.
Protein change: p.Gln106Ter; replaces glutamine 106 with a stop codon.
Molecular consequence: nonsense.
Genome position (GRCh38, 1-based): chr14:74,239,877, C>T. VCF-style: chr14-74239877-C-T. GRCh37 (hg19) VCF-style: chr14-74706580-C-T.
Other names: short protein forms Q106*.
Identifiers: ClinVar variation 4081830 (VCV004081830.1).
Genomic context (GRCh38, chr14:74,239,877, plus strand): 5'-GGCTTCTACACGCAGCCCACCTTCCTGGAAGTGCTGTCCGACCCGCAGAGCGTCCACTTG[C>T]AGCCATTGGGCAGAGCATCGGGGCCGCTGGACACCAGCCAGACGGCCAGCTCGGGTAGGT-3'

ClinVar aggregate classification (germline): Pathogenic (1 of 4 stars; one submission).

Conditions:
Microphthalmia, isolated, with coloboma 3 (MCOPCB3). Also called: MICROPHTHALMIA/COLOBOMA 3; MICROPHTHALMIA, COLOBOMATOUS, 3. Identifiers: Orphanet 98938, MedGen C1864721, MONDO:0012408, OMIM 610092.

Submission:

Myriad Genetics, Inc.
Classification: Pathogenic for Microphthalmia, isolated, with coloboma 3. Last evaluated: 2025-03-19. Review status: criteria provided, single submitter. Criteria: Myriad Autosomal Dominant, Autosomal Recessive and X-Linked Classification Criteria (2023). Collection method: clinical testing. Allele origin: unknown.
Comment: NM_182894.2(VSX2):c.316C>T(Q106*) is a nonsense variant classified as pathogenic in the context of microphthalmia, anophthalmia, and coloboma, VSX2-related. Q106* has not been observed in cases with relevant disease. Relevant functional assessments of this variant are not available in the literature. Q106* has not been observed in referenced population frequency databases. In summary,NM_182894.2(VSX2):c.316C>T(Q106*) is a nonsense variant in a gene where loss of function is a known mechanism of disease and is predicted to disrupt protein function. Please note: this variant was assessed in the context of healthy population screening.